The following is an entry in ClinVar:

ClinVar aggregate classification (germline): Uncertain significance (1 of 4 stars; one submission).

Conditions:
Glycogen storage disease IXb (GSD9B). Also called: PHOSPHORYLASE KINASE DEFICIENCY OF LIVER AND MUSCLE, AUTOSOMAL RECESSIVE; GLYCOGENOSIS OF LIVER AND MUSCLE, AUTOSOMAL RECESSIVE; GSD IXb. Identifiers: Orphanet 79240, MedGen C0543514, MONDO:0009868, OMIM 261750.

Submission:

Labcorp Genetics (formerly Invitae), Labcorp
Classification: Uncertain significance for Glycogen storage disease IXb. Last evaluated: 2025-09-15. Review status: criteria provided, single submitter. Criteria: Invitae Variant Classification Sherloc (09022015). Collection method: clinical testing. Allele origin: germline.
Comment: This sequence change replaces proline, which is neutral and non-polar, with serine, which is neutral and polar, at codon 703 of the PHKB protein (p.Pro703Ser). This variant is not present in population databases (gnomAD no frequency). This variant has not been reported in the literature in individuals affected with PHKB-related conditions. ClinVar contains an entry for this variant (Variation ID: 2971051). An algorithm developed to predict the effect of missense changes on protein structure and function outputs the following: PolyPhen-2: "Benign". The serine amino acid residue is found in multiple mammalian species, which suggests that this missense change does not adversely affect protein function. In summary, the available evidence is currently insufficient to determine the role of this variant in disease. Therefore, it has been classified as a Variant of Uncertain Significance.

NM_000293.3(PHKB):c.2107C>T (p.Pro703Ser)

Gene: PHKB (phosphorylase kinase regulatory subunit beta; plus strand). Cytogenetic location: 16q12.1.
Variant type: single nucleotide variant.
Coding change: c.2107C>T on transcript NM_000293.3 (MANE Select); coding-DNA position 2107, C replaced by T.
Protein change: p.Pro703Ser; replaces proline 703 with serine.
Molecular consequence: missense variant.
Genome position (GRCh38, 1-based): chr16:47,660,730, C>T. VCF-style: chr16-47660730-C-T. GRCh37 (hg19) VCF-style: chr16-47694641-C-T.
Other names: c.2086C>T, p.Pro696Ser (NM_001031835.3); c.2107C>T, p.Pro703Ser (NM_001363837.1); short protein forms P696S, P703S.
Identifiers: ClinVar variation 2971051 (VCV002971051.3), dbSNP rs2506606579, ClinGen allele CA395788824.